The following is an entry in ClinVar:

NM_001927.4(DES):c.745G>A (p.Glu249Lys)

Gene: DES (desmin; plus strand). Cytogenetic location: 2q35.
Variant type: single nucleotide variant.
Coding change: c.745G>A on transcript NM_001927.4 (MANE Select); coding-DNA position 745, G replaced by A.
Protein change: p.Glu249Lys; replaces glutamic acid 249 with lysine.
Molecular consequence: missense variant. On other transcripts: intron variant (2).
Genome position (GRCh38, 1-based): chr2:219,420,504, G>A. VCF-style: chr2-219420504-G-A. GRCh37 (hg19) VCF-style: chr2-220285226-G-A.
Other names: c.742G>A, p.Glu248Lys (NM_001382708.1); c.745G>A, p.Glu249Lys (NM_001382710.1, NM_001382711.1, NM_001382712.1); c.735+158G>A (NM_001382709.1); c.496-21G>A (NM_001382713.1); short protein forms E248K, E249K.
Identifiers: ClinVar variation 3336534 (VCV003336534.1).

ClinVar aggregate classification (germline): Uncertain significance (1 of 4 stars; one submission).

Submission:

Women's Health and Genetics/Laboratory Corporation of America, LabCorp
Classification: Uncertain significance. Last evaluated: 2024-05-16. Review status: criteria provided, single submitter. Criteria: LabCorp Variant Classification Summary - May 2015. Collection method: clinical testing. Allele origin: germline.
Comment: Variant summary: DES c.745G>A (p.Glu249Lys) results in a conservative amino acid change located in the intermediate filament, rod domain (IPR039008) of the encoded protein sequence. Four of five in-silico tools predict a damaging effect of the variant on protein function. The variant was absent in 249386 control chromosomes. The available data on variant occurrences in the general population are insufficient to allow any conclusion about variant significance. To our knowledge, no occurrence of c.745G>A in individuals affected with DES-related conditions and no experimental evidence demonstrating its impact on protein function have been reported. No submitters have cited clinical-significance assessments for this variant to ClinVar. Based on the evidence outlined above, the variant was classified as uncertain significance.